The following is an entry in ClinVar:

NM_001378454.1(ALMS1):c.1132_1135dup (p.Asn379fs)

Gene: ALMS1 (ALMS1 centrosome and basal body associated protein; plus strand). Cytogenetic location: 2p13.1.
Variant type: Duplication.
Coding change: c.1132_1135dup on transcript NM_001378454.1 (MANE Select); coding-DNA positions 1132 to 1135, 4 bases duplicated (GAAA; older notation c.1132_1135dupGAAA).
Protein change: p.Asn379fs; shifts the reading frame from asparagine 379.
Molecular consequence: frameshift variant.
Genome position (GRCh38, 1-based): chr2:73,424,797-73,424,800, GAAA duplicated. VCF-style (leftmost placement, unchanged base first): chr2-73424796-T-TGAAA. GRCh37 (hg19) VCF-style: chr2-73651924-T-TGAAA.
Other names: c.1135_1138dup, p.Asn380fs (NM_015120.4); short protein forms N380fs, N379fs.
Identifiers: ClinVar variation 2835093 (VCV002835093.3), dbSNP rs2466047361, ClinGen allele CA2739271066.

ClinVar aggregate classification (germline): Pathogenic (1 of 4 stars; one submission).

Conditions:
Alstrom syndrome (ALMS). Identifiers: Orphanet 64, MedGen C0268425, MONDO:0008763, OMIM 203800.

Submission:

Labcorp Genetics (formerly Invitae), Labcorp
Classification: Pathogenic for Alstrom syndrome. Last evaluated: 2023-02-06. Review status: criteria provided, single submitter. Criteria: Invitae Variant Classification Sherloc (09022015). Collection method: clinical testing. Allele origin: germline.
Comment: This sequence change creates a premature translational stop signal (p.Asn380Argfs*6) in the ALMS1 gene. It is expected to result in an absent or disrupted protein product. Loss-of-function variants in ALMS1 are known to be pathogenic (PMID: 17594715). This variant is not present in population databases (gnomAD no frequency). This variant has not been reported in the literature in individuals affected with ALMS1-related conditions. For these reasons, this variant has been classified as Pathogenic.

Literature cited by the submitters: PubMed 17594715.